The following is an entry in ClinVar:

ClinVar aggregate classification (germline): Uncertain significance (1 of 4 stars; one submission).

Submission:

Ambry Genetics
Classification: Uncertain significance. Last evaluated: 2025-05-24. Review status: criteria provided, single submitter. Criteria: Ambry Variant Classification Scheme 2023. Collection method: clinical testing. Allele origin: germline.
Comment: The p.E776Q variant (also known as c.2326G>C), located in coding exon 9 of the RNF43 gene, results from a G to C substitution at nucleotide position 2326. The glutamic acid at codon 776 is replaced by glutamine, an amino acid with highly similar properties. This amino acid position is conserved. In addition, this alteration is predicted to be tolerated by in silico analysis. Based on the available evidence, the clinical significance of this variant remains unclear.

NM_017763.6(RNF43):c.2326G>C (p.Glu776Gln)

Gene: RNF43 (ring finger protein 43; minus strand). Cytogenetic location: 17q22.
Variant type: single nucleotide variant.
Coding change: c.2326G>C on transcript NM_017763.6 (MANE Select); coding-DNA position 2326, G replaced by C.
Protein change: p.Glu776Gln; replaces glutamic acid 776 with glutamine.
Molecular consequence: missense variant.
Genome position (GRCh38, 1-based): chr17:58,354,969, C>G on the plus strand (G>C on the coding strand, the complement: RNF43 is on the minus strand). VCF-style: chr17-58354969-C-G. GRCh37 (hg19) VCF-style: chr17-56432330-C-G.
Other names: c.2326G>C, p.Glu776Gln (NM_001305544.3); c.1945G>C, p.Glu649Gln (NM_001305545.2); short protein forms E776Q, E649Q.
Identifiers: ClinVar variation 3946915 (VCV003946915.1).